The following is an entry in ClinVar:

ClinVar aggregate classification (germline): Uncertain significance (1 of 4 stars; one submission).

Conditions:
Acute myeloid leukemia (AML). Also called: Acute myeloid leukemia, adult; AML adult; Acute non-lymphocytic leukemia; Acute granulocytic leukemia; Leukemia, acute myeloid, somatic; Leukemia, acute myelogenous, somatic. Identifiers: Orphanet 519, MedGen C0023467, MeSH D015470, MONDO:0018874, OMIM 601626, HP:0004808. Disease mechanism: Constitutively activated FLT3.

Submission:

Labcorp Genetics (formerly Invitae), Labcorp
Classification: Uncertain significance for Acute myeloid leukemia. Last evaluated: 2022-08-16. Review status: criteria provided, single submitter. Criteria: Invitae Variant Classification Sherloc (09022015). Collection method: clinical testing. Allele origin: germline.
Comment: This sequence change replaces alanine, which is neutral and non-polar, with aspartic acid, which is acidic and polar, at codon 79 of the CEBPA protein (p.Ala79Asp). This variant is not present in population databases (gnomAD no frequency). This variant has not been reported in the literature in individuals affected with CEBPA-related conditions. Algorithms developed to predict the effect of missense changes on protein structure and function are either unavailable or do not agree on the potential impact of this missense change (SIFT: "Deleterious"; PolyPhen-2: "Probably Damaging"; Align-GVGD: "Class C0"). In summary, the available evidence is currently insufficient to determine the role of this variant in disease. Therefore, it has been classified as a Variant of Uncertain Significance.

NM_004364.5(CEBPA):c.236C>A (p.Ala79Asp)

Gene: CEBPA (CCAAT enhancer binding protein alpha; minus strand). Cytogenetic location: 19q13.11.
Variant type: single nucleotide variant.
Coding change: c.236C>A on transcript NM_004364.5 (MANE Select); coding-DNA position 236, C replaced by A.
Protein change: p.Ala79Asp; replaces alanine 79 with aspartic acid.
Molecular consequence: missense variant. On other transcripts: 5 prime UTR variant (1).
Genome position (GRCh38, 1-based): chr19:33,302,179, G>T on the plus strand (C>A on the coding strand, the complement: CEBPA is on the minus strand). VCF-style: chr19-33302179-G-T. GRCh37 (hg19) VCF-style: chr19-33793085-G-T.
Other names: c.-122C>A (NM_001285829.2); c.341C>A, p.Ala114Asp (NM_001287424.2); c.194C>A, p.Ala65Asp (NM_001287435.2); short protein forms A79D, A114D, A65D.
Identifiers: ClinVar variation 2131218 (VCV002131218.4), dbSNP rs1367071880, ClinGen allele CA405275381.